The following is an entry in ClinVar:

ClinVar aggregate classification (germline): Uncertain significance. Review status: criteria provided, multiple submitters, no conflicts (2 of 4 stars). 2 submissions from 2 submitters: Uncertain significance (2). Last evaluated 2025-10-07.

Conditions:
3-Methylglutaconic aciduria type 2 (BTHS). Also called: CARDIOSKELETAL MYOPATHY WITH NEUTROPENIA AND ABNORMAL MITOCHONDRIA; Barth syndrome. Identifiers: Orphanet 111, MedGen C0574083, MONDO:0010543, OMIM 302060.

Allele frequency attached by ClinVar (database versions not stated): gnomAD exomes below 0.00001 and 0.00001; TOPMed below 0.00001; gnomAD 0.00001.
gnomAD v4.1: 3 of 1,207,436 alleles (0.00025%); highest among the groups gnomAD compares: Non-Finnish European, 0.00034%; no homozygotes.

Submissions (2):

Labcorp Genetics (formerly Invitae), Labcorp
Classification: Uncertain significance for 3-Methylglutaconic aciduria type 2. Last evaluated: 2025-10-07. Review status: criteria provided, single submitter. Criteria: Invitae Variant Classification Sherloc (09022015). Collection method: clinical testing. Allele origin: germline.
Comment: This sequence change replaces threonine, which is neutral and polar, with isoleucine, which is neutral and non-polar, at codon 140 of the TAZ protein (p.Thr140Ile). The frequency data for this variant in the population databases is considered unreliable, as metrics indicate poor data quality at this position in the gnomAD database. This variant has not been reported in the literature in individuals affected with TAZ-related conditions. ClinVar contains an entry for this variant (Variation ID: 165330). An algorithm developed to predict the effect of missense changes on protein structure and function outputs the following: PolyPhen-2: "Benign". The isoleucine amino acid residue is found in multiple mammalian species, which suggests that this missense change does not adversely affect protein function. Algorithms developed to predict the effect of sequence changes on RNA splicing suggest that this variant may disrupt the consensus splice site. In summary, the available evidence is currently insufficient to determine the role of this variant in disease. Therefore, it has been classified as a Variant of Uncertain Significance.

Laboratory for Molecular Medicine, Mass General Brigham Personalized Medicine
Classification: Uncertain significance. Last evaluated: 2014-01-24. Review status: criteria provided, single submitter. Criteria: LMM Criteria. Collection method: clinical testing. Allele origin: germline. Observed: 1 variant allele.
Comment: The Thr140Ile variant in TAZ has not been reported in individuals with cardiomyo pathy or in large population studies. Computational analyses (biochemical amino acid properties, AlignGVGD, and SIFT) do not provide strong support for or again st an impact to the protein. Additional information is needed to fully assess th e clinical significance of the Thr140Ile variant.

NM_000116.5(TAFAZZIN):c.419C>T (p.Thr140Ile)

Gene: TAFAZZIN (tafazzin, phospholipid-lysophospholipid transacylase; plus strand). Cytogenetic location: Xq28.
Variant type: single nucleotide variant.
Coding change: c.419C>T on transcript NM_000116.5 (MANE Select); coding-DNA position 419, C replaced by T.
Protein change: p.Thr140Ile; replaces threonine 140 with isoleucine.
Molecular consequence: missense variant. On other transcripts: intron variant (2).
Genome position (GRCh38, 1-based): chrX:154,414,149, C>T. VCF-style: chrX-154414149-C-T. GRCh37 (hg19) VCF-style: chrX-153642486-C-T.
Other names: c.370+582C>T (NM_181313.4, NM_181311.4); c.473C>T, p.Thr158Ile (NM_001303465.2); c.419C>T, p.Thr140Ile (NM_181312.4); short protein forms T140I, T158I.
Identifiers: ClinVar variation 165330 (VCV000165330.10), dbSNP rs727503454, ClinGen allele CA178076.